The following is an entry in ClinVar:

NM_003730.6(RNASET2):c.426C>T (p.Tyr142=)

Gene: RNASET2 (ribonuclease T2; minus strand). Cytogenetic location: 6q27.
Variant type: single nucleotide variant.
Coding change: c.426C>T on transcript NM_003730.6 (MANE Select); coding-DNA position 426, C replaced by T.
Protein change: p.Tyr142=; no amino-acid change (tyrosine 142 retained).
Molecular consequence: synonymous variant.
Genome position (GRCh38, 1-based): chr6:166,938,915, G>A on the plus strand (C>T on the coding strand, the complement: RNASET2 is on the minus strand). VCF-style: chr6-166938915-G-A. GRCh37 (hg19) VCF-style: chr6-167352403-G-A.
Identifiers: ClinVar variation 782746 (VCV000782746.16), dbSNP rs34346305, ClinGen allele CA4095004.

ClinVar aggregate classification (germline): Benign. Review status: criteria provided, multiple submitters, no conflicts (2 of 4 stars). 3 submissions from 3 submitters: Benign (2). 1 of the submissions does not count toward it. Last evaluated 2026-01-15.

Conditions:
Cystic leukoencephalopathy without megalencephaly. Identifiers: Orphanet 85136, MedGen C2751843, MONDO:0013058, OMIM 612951.
RNASET2-related disorder. Also called: RNASET2-related condition.

Allele frequency attached by ClinVar (database versions not stated): gnomAD exomes 0.00124 and 0.00326; ExAC 0.00371; gnomAD 0.01184 and 0.01272; 1000 Genomes Project 0.01238; TOPMed 0.01362; 1000 Genomes Project 30x 0.01390; ESP Exome Variant Server 0.01461.

Submissions (3):

Labcorp Genetics (formerly Invitae), Labcorp
Classification: Benign. Last evaluated: 2026-01-15. Review status: criteria provided, single submitter. Criteria: Invitae Variant Classification Sherloc (09022015). Collection method: clinical testing. Allele origin: germline.

Illumina Laboratory Services, Illumina
Classification: Benign for Cystic leukoencephalopathy without megalencephaly. Last evaluated: 2018-01-12. Review status: criteria provided, single submitter. Criteria: ICSL Variant Classification Criteria 13 December 2019. Collection method: clinical testing. Allele origin: germline.
Comment: This variant was observed in the ICSL laboratory as part of a predisposition screen in an ostensibly healthy population. It had not been previously curated by ICSL or reported in the Human Gene Mutation Database (HGMD: prior to June 1st, 2018), and was therefore a candidate for classification through an automated scoring system. Utilizing variant allele frequency, disease prevalence and penetrance estimates, and inheritance mode, an automated score was calculated to assess if this variant is too frequent to cause the disease. Based on the score and internal cut-off values, a variant classified as benign is not then subjected to further curation. The score for this variant resulted in a classification of benign for this disease.

PreventionGenetics, part of Exact Sciences
Classification: Benign for RNASET2-related condition. Last evaluated: 2019-04-01. Review status: no assertion criteria provided. Collection method: clinical testing. Allele origin: germline. Not counted in ClinVar's aggregate classification.
Comment: This variant is classified as benign based on ACMG/AMP sequence variant interpretation guidelines (Richards et al. 2015 PMID: 25741868, with internal and published modifications).